The following is an entry in ClinVar:

NM_198253.3(TERT):c.1495A>C (p.Lys499Gln)

Gene: TERT (telomerase reverse transcriptase; minus strand). Cytogenetic location: 5p15.33.
Variant type: single nucleotide variant.
Coding change: c.1495A>C on transcript NM_198253.3 (MANE Select); coding-DNA position 1495, A replaced by C.
Protein change: p.Lys499Gln; replaces lysine 499 with glutamine.
Molecular consequence: missense variant. On other transcripts: non-coding transcript variant (2).
Genome position (GRCh38, 1-based): chr5:1,293,391, T>G on the plus strand (A>C on the coding strand, the complement: TERT is on the minus strand). VCF-style: chr5-1293391-T-G. GRCh37 (hg19) VCF-style: chr5-1293506-T-G.
Other names: c.1495A>C, p.Lys499Gln (NM_001193376.3); short protein forms K499Q.
Identifiers: ClinVar variation 3897749 (VCV003897749.1).

ClinVar aggregate classification (oncogenicity): Uncertain significance (1 of 4 stars; one submission).

Conditions:
Meningioma. Also called: Meningioma, somatic. Identifiers: Orphanet 2495, MedGen C0025286, MONDO:0016642, HP:0002858.

Submission:

Dr. Guy Rouleau's laboratory, McGill University
Classification: Uncertain significance for Meningioma. Last evaluated: 2025-03-30. Review status: criteria provided, single submitter. Criteria: ClinGen/CGC/VICC Guidelines for Oncogenicity, 2022. Collection method: research. Allele origin: somatic. Affected: yes.
Comment: This missense variant, located at position 499 in the TERT gene, results in the substitution of Lysine (K), a basic amino acid, with Glutamine (Q), a neutral and polar amino acid. This somatic variant was identified in a paired tumor-blood sequencing study of meningiomas. It has not been reported in population databases (gnomAD v2.1.1: no frequency). Due to insufficient evidence, the clinical significance of this variant remains unknown